The following is an entry in ClinVar:

ClinVar aggregate classification (germline): Uncertain significance (1 of 4 stars; one submission).

Conditions:
Duchenne muscular dystrophy (DMD). Also called: MUSCULAR DYSTROPHY, PSEUDOHYPERTROPHIC PROGRESSIVE, DUCHENNE TYPE; Duchenne Muscular Dystrophy (DMD). Identifiers: Orphanet 98896, MedGen C0013264, MONDO:0010679, OMIM 310200.

gnomAD v4.1: 7 of 1,201,547 alleles (0.00058%); highest among the groups gnomAD compares: East Asian, 0.006%; no homozygotes.

Submission:

Labcorp Genetics (formerly Invitae), Labcorp
Classification: Uncertain significance for Duchenne muscular dystrophy. Last evaluated: 2025-06-02. Review status: criteria provided, single submitter. Criteria: Invitae Variant Classification Sherloc (09022015). Collection method: clinical testing. Allele origin: germline.
Comment: This sequence change replaces arginine, which is basic and polar, with isoleucine, which is neutral and non-polar, at codon 288 of the DMD protein (p.Arg288Ile). The frequency data for this variant in the population databases is considered unreliable, as metrics indicate poor data quality at this position in the gnomAD database. This variant has not been reported in the literature in individuals affected with DMD-related conditions. ClinVar contains an entry for this variant (Variation ID: 2728007). Invitae Evidence Modeling of protein sequence and biophysical properties (such as structural, functional, and spatial information, amino acid conservation, physicochemical variation, residue mobility, and thermodynamic stability) indicates that this missense variant is not expected to disrupt DMD protein function with a negative predictive value of 95%. Algorithms developed to predict the effect of sequence changes on RNA splicing suggest that this variant may disrupt the consensus splice site. In summary, the available evidence is currently insufficient to determine the role of this variant in disease. Therefore, it has been classified as a Variant of Uncertain Significance.

NM_004006.3(DMD):c.863G>T (p.Arg288Ile)

Gene: DMD (dystrophin; minus strand). Cytogenetic location: Xp21.1.
Variant type: single nucleotide variant.
Coding change: c.863G>T on transcript NM_004006.3 (MANE Select); coding-DNA position 863, G replaced by T.
Protein change: p.Arg288Ile; replaces arginine 288 with isoleucine.
Molecular consequence: missense variant.
Genome position (GRCh38, 1-based): chrX:32,697,967, C>A on the plus strand (G>T on the coding strand, the complement: DMD is on the minus strand). VCF-style: chrX-32697967-C-A. GRCh37 (hg19) VCF-style: chrX-32716084-C-A.
Other names: c.839G>T, p.Arg280Ile (NM_000109.4); c.851G>T, p.Arg284Ile (NM_004009.3); c.494G>T, p.Arg165Ile (NM_004010.3); short protein forms R284I, R288I, R165I, R280I.
Identifiers: ClinVar variation 2728007 (VCV002728007.3), dbSNP rs767304770, ClinGen allele CA412668678.